The following is an entry in ClinVar:

NM_005055.5(RAPSN):c.41T>C (p.Leu14Pro)

Gene: RAPSN (receptor associated protein of the synapse; minus strand). Cytogenetic location: 11p11.2.
Variant type: single nucleotide variant.
Coding change: c.41T>C on transcript NM_005055.5 (MANE Select); coding-DNA position 41, T replaced by C.
Protein change: p.Leu14Pro; replaces leucine 14 with proline.
Molecular consequence: missense variant.
Genome position (GRCh38, 1-based): chr11:47,448,924, A>G on the plus strand (T>C on the coding strand, the complement: RAPSN is on the minus strand). VCF-style: chr11-47448924-A-G. GRCh37 (hg19) VCF-style: chr11-47470476-A-G.
Other names: c.41T>C, p.Leu14Pro (NM_032645.5); c.41T>C (NM_005055.4); short protein forms L14P.
Identifiers: ClinVar variation 8047 (VCV000008047.14), dbSNP rs104894300, ClinGen allele CA119252.

ClinVar aggregate classification (germline): Pathogenic/Likely pathogenic. Review status: criteria provided, multiple submitters, no conflicts (2 of 4 stars). 6 submissions from 6 submitters: Pathogenic (3); Likely pathogenic (2). 1 of the submissions does not count toward it. Last evaluated 2024-11-19.

Conditions:
Fetal akinesia deformation sequence 2. Identifiers: MedGen C4760576, MONDO:0100102, OMIM 618388.
Fetal akinesia deformation sequence 1 (FADS1). Also called: Pena-Shokeir syndrome type I; Fetal akinesia sequence. Identifiers: Orphanet 994, MedGen C1276035, MONDO:0100101, OMIM 208150, HP:0001989.
Congenital myasthenic syndrome 11. Also called: MYASTHENIC SYNDROME, CONGENITAL, Ie; Myasthenic syndrome, congenital, 11, associated with acetylcholine receptor deficiency. Identifiers: Orphanet 590, MedGen C4225367, MONDO:0014588, OMIM 616326.
RAPSN-related disorder. Also called: RAPSN-related condition; RAPSN-related disorders. Identifiers: MedGen CN239397.
Congenital myasthenic syndrome (CMS). Also called: Congenital Myasthenic Syndromes. Identifiers: Orphanet 590, MedGen C0751882, MeSH D020294, MONDO:0018940.

Allele frequency attached by ClinVar (database versions not stated): TOPMed below 0.00001; gnomAD exomes 0.00001; ExAC 0.00002.
gnomAD v4.1: 9 of 1,614,184 alleles (0.00056%); highest among the groups gnomAD compares: Non-Finnish European, 0.00076%; no homozygotes.

Submissions (6):

Blueprint Genetics
Classification: Pathogenic for RAPSN-related disorders. Last evaluated: 2024-11-19. Review status: criteria provided, single submitter. Criteria: ACMG Guidelines, 2015. Collection method: clinical testing. Allele origin: germline. Affected: yes. Observed: 5 variant alleles.

Natera, Inc.
Classification: Likely pathogenic for Congenital myasthenic syndrome. Last evaluated: 2024-07-14. Review status: criteria provided, single submitter. Criteria: Natera Variant Classification Schema (03/2026). Collection method: clinical testing. Allele origin: germline.
Comment: The c.41T>C variant in RAPSN is a missense variant predicted to cause substitution of leucine to proline at amino acid 14. This variant is rare in the general population with a frequency below the threshold expected for the associated phenotype(s). This variant has been observed in one or more individuals affected with the associated recessive disease, as either homozygous or compound heterozygous with a second variant (PMID: 19620612, 15145336, 12730725). Computational prediction algorithms indicate this variant is likely to affect gene or protein function. Given the available evidence, this variant is classified as Likely Pathogenic.

GeneDx
Classification: Pathogenic. Last evaluated: 2024-02-08. Review status: criteria provided, single submitter. Criteria: GeneDx Variant Classification Process June 2021. Collection method: clinical testing. Allele origin: germline. Affected: yes.
Comment: Published functional studies demonstrate a damaging effect (PMID: 11791205); Not observed at significant frequency in large population cohorts (gnomAD); This variant is associated with the following publications: (PMID: 36815443, 34033754, 31998752, 31549961, 18567858, 12651869, 16945936, 36608736, 22678886, 11791205, 12730725, 12929188, 14504330, 19620612)

Baylor Genetics
Classification: Likely pathogenic for Fetal akinesia deformation sequence 2. Last evaluated: 2024-01-03. Review status: criteria provided, single submitter. Criteria: ACMG Guidelines, 2015. Collection method: clinical testing. Allele origin: unknown.

Labcorp Genetics (formerly Invitae), Labcorp
Classification: Pathogenic for Congenital myasthenic syndrome 11; Fetal akinesia deformation sequence 1. Last evaluated: 2023-08-07. Review status: criteria provided, single submitter. Criteria: Invitae Variant Classification Sherloc (09022015). Collection method: clinical testing. Allele origin: germline.
Comment: This sequence change replaces leucine, which is neutral and non-polar, with proline, which is neutral and non-polar, at codon 14 of the RAPSN protein (p.Leu14Pro). This variant is present in population databases (rs104894300, gnomAD 0.002%). This missense change has been observed in individual(s) with RAPSN-related conditions (PMID: 11791205, 12730725, 19620612). In at least one individual the data is consistent with being in trans (on the opposite chromosome) from a pathogenic variant. It has also been observed to segregate with disease in related individuals. ClinVar contains an entry for this variant (Variation ID: 8047). Advanced modeling of protein sequence and biophysical properties (such as structural, functional, and spatial information, amino acid conservation, physicochemical variation, residue mobility, and thermodynamic stability) has been performed at Invitae for this missense variant, however the output from this modeling did not meet the statistical confidence thresholds required to predict the impact of this variant on RAPSN protein function. Experimental studies have shown that this missense change affects RAPSN function (PMID: 11791205). For these reasons, this variant has been classified as Pathogenic.

OMIM
Classification: Pathogenic for MYASTHENIC SYNDROME, CONGENITAL, 11, ASSOCIATED WITH ACETYLCHOLINE RECEPTOR DEFICIENCY. Last evaluated: 2003-01-01. Review status: no assertion criteria provided. Collection method: literature only. Allele origin: germline. Not counted in ClinVar's aggregate classification.

Literature cited by the submitters: PubMed 19620612 (cited by Natera, Inc. and Labcorp Genetics (formerly Invitae), Labcorp); PubMed 15145336 (cited by Natera, Inc.); PubMed 12730725 (cited by 3 submitters); PubMed 11791205 (cited by Labcorp Genetics (formerly Invitae), Labcorp and OMIM).